The following is an entry in ClinVar:

ClinVar aggregate classification (germline): Uncertain significance (1 of 4 stars; one submission).

Submission:

Labcorp Genetics (formerly Invitae), Labcorp
Classification: Uncertain significance. Last evaluated: 2022-08-31. Review status: criteria provided, single submitter. Criteria: Invitae Variant Classification Sherloc (09022015). Collection method: clinical testing. Allele origin: germline.
Comment: This sequence change replaces asparagine, which is neutral and polar, with serine, which is neutral and polar, at codon 383 of the ARHGEF18 protein (p.Asn383Ser). This variant is not present in population databases (gnomAD no frequency). Algorithms developed to predict the effect of missense changes on protein structure and function output the following: SIFT: "Tolerated"; PolyPhen-2: "Benign"; Align-GVGD: "Class C0". The serine amino acid residue is found in multiple mammalian species, which suggests that this missense change does not adversely affect protein function. In summary, the available evidence is currently insufficient to determine the role of this variant in disease. Therefore, it has been classified as a Variant of Uncertain Significance. ClinVar contains an entry for this variant (Variation ID: 1488358). This variant has not been reported in the literature in individuals affected with ARHGEF18-related conditions.

NM_001367823.1(ARHGEF18):c.1712A>G (p.Asn571Ser)

Gene: ARHGEF18 (Rho/Rac guanine nucleotide exchange factor 18; plus strand). Cytogenetic location: 19p13.2.
Variant type: single nucleotide variant.
Coding change: c.1712A>G on transcript NM_001367823.1 (MANE Select); coding-DNA position 1712, A replaced by G.
Protein change: p.Asn571Ser; replaces asparagine 571 with serine.
Molecular consequence: missense variant.
Genome position (GRCh38, 1-based): chr19:7,447,143, A>G. VCF-style: chr19-7447143-A-G. GRCh37 (hg19) VCF-style: chr19-7512029-A-G.
Other names: c.986A>G, p.Asn329Ser (NM_001130955.2); c.674A>G, p.Asn225Ser (NM_001367824.1, NM_015318.4); short protein forms N225S, N329S, N571S.
Identifiers: ClinVar variation 1488358 (VCV001488358.6), dbSNP rs376987311, ClinGen allele CA304886616.